The following is an entry in ClinVar:

ClinVar aggregate classification (germline): Uncertain significance. Review status: criteria provided, multiple submitters, no conflicts (2 of 4 stars). 2 submissions from 2 submitters: Uncertain significance (2). Last evaluated 2025-06-10.

Conditions:
Congenital myasthenic syndrome 9. Also called: Myasthenic syndrome, congenital, 9, associated with acetylcholine receptor deficiency. Identifiers: Orphanet 590, MedGen C4225368, MONDO:0014587, OMIM 616325.
Fetal akinesia deformation sequence 1 (FADS1). Also called: Fetal akinesia sequence; Pena-Shokeir syndrome type I. Identifiers: Orphanet 994, MedGen C1276035, MONDO:0100101, OMIM 208150, HP:0001989.
Inborn genetic diseases. Identifiers: MedGen C0950123, MeSH D030342.

Allele frequency attached by ClinVar (database versions not stated): gnomAD exomes below 0.00001.

Submissions (2):

Ambry Genetics
Classification: Uncertain significance for Inborn genetic diseases. Last evaluated: 2025-06-10. Review status: criteria provided, single submitter. Criteria: Ambry Variant Classification Scheme 2023. Collection method: clinical testing. Allele origin: germline.

Labcorp Genetics (formerly Invitae), Labcorp
Classification: Uncertain significance for Congenital myasthenic syndrome 9; Fetal akinesia deformation sequence 1. Last evaluated: 2022-06-20. Review status: criteria provided, single submitter. Criteria: Invitae Variant Classification Sherloc (09022015). Collection method: clinical testing. Allele origin: germline.
Comment: This sequence change replaces cysteine, which is neutral and slightly polar, with arginine, which is basic and polar, at codon 447 of the MUSK protein (p.Cys447Arg). This variant is present in population databases (no rsID available, gnomAD 0.0009%). This variant has not been reported in the literature in individuals affected with MUSK-related conditions. Algorithms developed to predict the effect of missense changes on protein structure and function (SIFT, PolyPhen-2, Align-GVGD) all suggest that this variant is likely to be disruptive. In summary, the available evidence is currently insufficient to determine the role of this variant in disease. Therefore, it has been classified as a Variant of Uncertain Significance.

NM_005592.4(MUSK):c.1339T>C (p.Cys447Arg)

Gene: MUSK (muscle associated receptor tyrosine kinase; plus strand). Cytogenetic location: 9q31.3.
Variant type: single nucleotide variant.
Coding change: c.1339T>C on transcript NM_005592.4 (MANE Select); coding-DNA position 1339, T replaced by C.
Protein change: p.Cys447Arg; replaces cysteine 447 with arginine.
Molecular consequence: missense variant.
Genome position (GRCh38, 1-based): chr9:110,775,942, T>C. VCF-style: chr9-110775942-T-C. GRCh37 (hg19) VCF-style: chr9-113538222-T-C.
Other names: c.1105T>C, p.Cys369Arg (NM_001166280.2); c.1075T>C, p.Cys359Arg (NM_001166281.2); c.103T>C, p.Cys35Arg (NM_001369398.1); c.1339T>C (NM_005592.3); short protein forms C35R, C359R, C447R, C369R.
Identifiers: ClinVar variation 2008647 (VCV002008647.2), dbSNP rs1167912262, ClinGen allele CA374473366.